The following is an entry in ClinVar:

NM_015346.4(ZFYVE26):c.4826T>C (p.Met1609Thr)

Gene: ZFYVE26 (zinc finger FYVE-type containing 26; minus strand). Cytogenetic location: 14q24.1.
Variant type: single nucleotide variant.
Coding change: c.4826T>C on transcript NM_015346.4 (MANE Select); coding-DNA position 4826, T replaced by C.
Protein change: p.Met1609Thr; replaces methionine 1609 with threonine.
Molecular consequence: missense variant.
Genome position (GRCh38, 1-based): chr14:67,777,707, A>G on the plus strand (T>C on the coding strand, the complement: ZFYVE26 is on the minus strand). VCF-style: chr14-67777707-A-G. GRCh37 (hg19) VCF-style: chr14-68244424-A-G.
Other names: short protein forms M1609T.
Identifiers: ClinVar variation 1986501 (VCV001986501.1), dbSNP rs754710539, ClinGen allele CA7239655.

ClinVar aggregate classification (germline): Uncertain significance (1 of 4 stars; one submission).

Conditions:
Spastic paraplegia. Identifiers: MedGen C0037772, HP:0001258.

Allele frequency attached by ClinVar (database versions not stated): gnomAD 0.00001; TOPMed 0.00003; ExAC 0.00005.

Submission:

Labcorp Genetics (formerly Invitae), Labcorp
Classification: Uncertain significance for Spastic paraplegia. Last evaluated: 2021-08-24. Review status: criteria provided, single submitter. Criteria: Invitae Variant Classification Sherloc (09022015). Collection method: clinical testing. Allele origin: germline.
Comment: This sequence change replaces methionine with threonine at codon 1609 of the ZFYVE26 protein (p.Met1609Thr). The methionine residue is moderately conserved and there is a moderate physicochemical difference between methionine and threonine. This variant is present in population databases (rs754710539, ExAC 0.07%). This variant has not been reported in the literature in individuals affected with ZFYVE26-related conditions. Algorithms developed to predict the effect of missense changes on protein structure and function (SIFT, PolyPhen-2, Align-GVGD) all suggest that this variant is likely to be tolerated. In summary, the available evidence is currently insufficient to determine the role of this variant in disease. Therefore, it has been classified as a Variant of Uncertain Significance.